The following is an entry in ClinVar:

NM_002907.4(RECQL):c.856C>G (p.Leu286Val)

Gene: RECQL (RecQ like helicase; minus strand). Cytogenetic location: 12p12.1.
Variant type: single nucleotide variant.
Coding change: c.856C>G on transcript NM_002907.4 (MANE Select); coding-DNA position 856, C replaced by G.
Protein change: p.Leu286Val; replaces leucine 286 with valine.
Molecular consequence: missense variant.
Genome position (GRCh38, 1-based): chr12:21,477,814, G>C on the plus strand (C>G on the coding strand, the complement: RECQL is on the minus strand). VCF-style: chr12-21477814-G-C. GRCh37 (hg19) VCF-style: chr12-21630748-G-C.
Other names: c.856C>G, p.Leu286Val (NM_032941.3); short protein forms L286V.
Identifiers: ClinVar variation 3431802 (VCV003431802.1).

ClinVar aggregate classification (germline): Uncertain significance (1 of 4 stars; one submission).

Submission:

Ambry Genetics
Classification: Uncertain significance. Last evaluated: 2024-09-30. Review status: criteria provided, single submitter. Criteria: Ambry Variant Classification Scheme 2023. Collection method: clinical testing. Allele origin: germline.
Comment: The p.L286V variant (also known as c.856C>G), located in coding exon 6 of the RECQL gene, results from a C to G substitution at nucleotide position 856. The leucine at codon 286 is replaced by valine, an amino acid with highly similar properties. This amino acid position is conserved. In addition, the in silico prediction for this alteration is inconclusive. Based on the available evidence, the clinical significance of this variant remains unclear.